The following is an entry in ClinVar:

ClinVar aggregate classification (germline): Uncertain significance (1 of 4 stars; one submission).

Conditions:
Autosomal recessive limb-girdle muscular dystrophy type 2P. Also called: MUSCULAR DYSTROPHY, LIMB-GIRDLE, TYPE 2P; Limb-Girdle Muscular Dystrophy Type 9C; MUSCULAR DYSTROPHY-DYSTROGLYCANOPATHY, LIMB-GIRDLE, DAG1-RELATED. Identifiers: Orphanet 280333, MedGen C4511963, MONDO:0013440, OMIM 613818.
Muscular dystrophy-dystroglycanopathy (congenital with brain and eye anomalies), type A9. Also called: Muscular dystrophy-dystroglycanopathy (congenital with brain and eye anomalies), type a, 9; WALKER-WARBURG SYNDROME OR MUSCLE-EYE BRAIN DISEASE, DAG1-RELATED. Identifiers: Orphanet 370997, Orphanet 899, MedGen C4225291, MONDO:0014683, OMIM 616538.

Allele frequency attached by ClinVar (database versions not stated): ExAC 0.00002.
gnomAD v4.1: 5 of 1,613,814 alleles (0.00031%); highest among the groups gnomAD compares: Admixed American, 0.0083%; no homozygotes.

Submission:

Labcorp Genetics (formerly Invitae), Labcorp
Classification: Uncertain significance for Autosomal recessive limb-girdle muscular dystrophy type 2P; Muscular dystrophy-dystroglycanopathy (congenital with brain and eye anomalies), type A9. Last evaluated: 2024-10-17. Review status: criteria provided, single submitter. Criteria: Invitae Variant Classification Sherloc (09022015). Collection method: clinical testing. Allele origin: germline.
Comment: This sequence change replaces glutamic acid, which is acidic and polar, with aspartic acid, which is acidic and polar, at codon 412 of the DAG1 protein (p.Glu412Asp). The frequency data for this variant in the population databases is considered unreliable, as metrics indicate poor data quality at this position in the gnomAD database. This variant has not been reported in the literature in individuals affected with DAG1-related conditions. ClinVar contains an entry for this variant (Variation ID: 1021691). Invitae Evidence Modeling of protein sequence and biophysical properties (such as structural, functional, and spatial information, amino acid conservation, physicochemical variation, residue mobility, and thermodynamic stability) indicates that this missense variant is not expected to disrupt DAG1 protein function with a negative predictive value of 80%. In summary, the available evidence is currently insufficient to determine the role of this variant in disease. Therefore, it has been classified as a Variant of Uncertain Significance.

NM_004393.6(DAG1):c.1236G>T (p.Glu412Asp)

Gene: DAG1 (dystroglycan 1; plus strand). Cytogenetic location: 3p21.31.
Variant type: single nucleotide variant.
Coding change: c.1236G>T on transcript NM_004393.6 (MANE Select); coding-DNA position 1236, G replaced by T.
Protein change: p.Glu412Asp; replaces glutamic acid 412 with aspartic acid.
Molecular consequence: missense variant.
Genome position (GRCh38, 1-based): chr3:49,531,747, G>T. VCF-style: chr3-49531747-G-T. GRCh37 (hg19) VCF-style: chr3-49569180-G-T.
Other names: c.1236G>T, p.Glu412Asp (NM_001165928.4, NM_001177634.3, NM_001177635.3 and 9 more transcripts); short protein forms E412D.
Identifiers: ClinVar variation 1021691 (VCV001021691.5), dbSNP rs760924685, ClinGen allele CA2399037.
Genomic context (GRCh38, chr3:49,531,747, plus strand): 5'-AGCTGGCACCACAGTTCCTGGCCAGATTCGCCCAACGATGACCATTCCTGGCTATGTGGA[G>T]CCTACTGCAGTTGCTACCCCTCCCACAACCACCACCAAGAAGCCACGAGTATCCACACCA-3'
Protein context (NP_004384.5, residues 402-422): RPTMTIPGYV[Glu412Asp]PTAVATPPTT